The following is an entry in ClinVar:

ClinVar aggregate classification (germline): Uncertain significance (1 of 4 stars; one submission).

Submission:

Labcorp Genetics (formerly Invitae), Labcorp
Classification: Uncertain significance. Last evaluated: 2021-12-19. Review status: criteria provided, single submitter. Criteria: Invitae Variant Classification Sherloc (09022015). Collection method: clinical testing. Allele origin: germline.
Comment: In summary, the available evidence is currently insufficient to determine the role of this variant in disease. Therefore, it has been classified as a Variant of Uncertain Significance. Advanced modeling of protein sequence and biophysical properties (such as structural, functional, and spatial information, amino acid conservation, physicochemical variation, residue mobility, and thermodynamic stability) performed at Invitae indicates that this missense variant is not expected to disrupt CNGB3 protein function. This variant has not been reported in the literature in individuals affected with CNGB3-related conditions. This variant is not present in population databases (gnomAD no frequency). This sequence change replaces leucine, which is neutral and non-polar, with phenylalanine, which is neutral and non-polar, at codon 544 of the CNGB3 protein (p.Leu544Phe).

NM_019098.5(CNGB3):c.1630C>T (p.Leu544Phe)

Gene: CNGB3 (cyclic nucleotide gated channel subunit beta 3; minus strand). Cytogenetic location: 8q21.3.
Variant type: single nucleotide variant.
Coding change: c.1630C>T on transcript NM_019098.5 (MANE Select); coding-DNA position 1630, C replaced by T.
Protein change: p.Leu544Phe; replaces leucine 544 with phenylalanine.
Molecular consequence: missense variant.
Genome position (GRCh38, 1-based): chr8:86,611,620, G>A on the plus strand (C>T on the coding strand, the complement: CNGB3 is on the minus strand). VCF-style: chr8-86611620-G-A. GRCh37 (hg19) VCF-style: chr8-87623848-G-A.
Other names: short protein forms L544F.
Identifiers: ClinVar variation 2421271 (VCV002421271.6), dbSNP rs2538064530, ClinGen allele CA371438575.
Genomic context (GRCh38, chr8:86,611,620, plus strand): 5'-GTGCATTTGAAAAATAGCATGCACTCACCTTTTTGCAGACAAAGTCACCAGGCAAATAGA[G>A]AACGGATTTCAATCTTAGCAACATGTCATAAATCATCTGTGTATCACAACCCTATATAAA-3'
Protein context (NP_061971.3, residues 534-554): YDMLLRLKSV[Leu544Phe]YLPGDFVCKK